The following is an entry in ClinVar:

NM_000310.4(PPT1):c.532del (p.Glu178fs)

Gene: PPT1 (palmitoyl-protein thioesterase 1; minus strand). Cytogenetic location: 1p34.2.
Variant type: Deletion.
Coding change: c.532del on transcript NM_000310.4 (MANE Select); coding-DNA position 532, one base deleted (G; older notation c.532delG).
Protein change: p.Glu178fs; shifts the reading frame from glutamic acid 178.
Molecular consequence: frameshift variant.
Genome position (GRCh38, 1-based): chr1:40,089,414, C deleted on the plus strand (G on the coding strand, the reverse complement: PPT1 is on the minus strand); the first of 2 consecutive C bases (chr1:40,089,414-40,089,415); deleting either gives the same sequence. VCF-style (leftmost placement, unchanged base first): chr1-40089413-TC-T. GRCh37 (hg19) VCF-style: chr1-40555085-TC-T.
Other names: c.532_532delG (NM_000310.3); c.223del, p.Glu75fs (NM_001142604.2); c.532del, p.Glu178fs (NM_001363695.2); short protein forms E178fs, E75fs.
Identifiers: ClinVar variation 236410 (VCV000236410.6), dbSNP rs878853325, ClinGen allele CA10581623.

ClinVar aggregate classification (germline): Pathogenic. Review status: criteria provided, single submitter (1 of 4 stars). 2 submissions from 2 submitters: Pathogenic (1). 1 of the submissions does not count toward it. Last evaluated 2023-04-14.

Conditions:
Neuronal ceroid lipofuscinosis 1 (CLN1). Also called: CEROID LIPOFUSCINOSIS, NEURONAL, 1, VARIABLE AGE AT ONSET; PPT1-Related Neuronal Ceroid-Lipofuscinosis. Identifiers: Orphanet 228329, MedGen C1850451, MONDO:0009744, OMIM 256730.

Submissions (2):

Labcorp Genetics (formerly Invitae), Labcorp
Classification: Pathogenic for Neuronal ceroid lipofuscinosis 1. Last evaluated: 2023-04-14. Review status: criteria provided, single submitter. Criteria: Invitae Variant Classification Sherloc (09022015). Collection method: clinical testing. Allele origin: germline.
Comment: For these reasons, this variant has been classified as Pathogenic. ClinVar contains an entry for this variant (Variation ID: 236410). This premature translational stop signal has been observed in individual(s) with neuronal ceroid lipofuscinosis (PMID: 30541466). This variant is not present in population databases (gnomAD no frequency). This sequence change creates a premature translational stop signal (p.Glu178Asnfs*13) in the PPT1 gene. It is expected to result in an absent or disrupted protein product. Loss-of-function variants in PPT1 are known to be pathogenic (PMID: 10679943, 21990111).

Foundation for Research in Genetics and Endocrinology, FRIGE's Institute of Human Genetics
Classification: Likely pathogenic for Neuronal ceroid lipofuscinosis 1. Last evaluated: 2015-08-08. Review status: no assertion criteria provided. Collection method: research. Allele origin: germline. Inheritance: Autosomal recessive inheritance. Affected: yes. Observed: 1 compound heterozygote. Not counted in ClinVar's aggregate classification.
Comment: Variant c.532_532delG/p.E178Nfs*13 (ENST00000433473) found to be pathogenic by online software Mutation Taster

Literature cited by the submitters: PubMed 30541466 (cited by Labcorp Genetics (formerly Invitae), Labcorp); PubMed 10679943 (cited by Labcorp Genetics (formerly Invitae), Labcorp); PubMed 21990111 (cited by Labcorp Genetics (formerly Invitae), Labcorp).